The following is an entry in ClinVar:

ClinVar aggregate classification (germline): Uncertain significance. Review status: criteria provided, multiple submitters, no conflicts (2 of 4 stars). 3 submissions from 3 submitters: Uncertain significance (3). Last evaluated 2023-06-01.

Conditions:
Hyperkalemic periodic paralysis. Also called: Gamstorp disease; Familial hyperkalemic periodic paralysis. Identifiers: Orphanet 682, MedGen C0238357, MONDO:0008224, OMIM 170500, HP:0007215.

Allele frequency attached by ClinVar (database versions not stated): gnomAD exomes below 0.00001.

Submissions (3):

CeGaT Center for Human Genetics Tuebingen
Classification: Uncertain significance. Last evaluated: 2023-06-01. Review status: criteria provided, single submitter. Criteria: CeGaT Center For Human Genetics Tuebingen Variant Classification Criteria Version 2. Collection method: clinical testing. Allele origin: germline. Affected: yes. Observed: 1 variant allele.
Comment: SCN4A: PM2, PM5, BP5

Labcorp Genetics (formerly Invitae), Labcorp
Classification: Uncertain significance for Hyperkalemic periodic paralysis. Last evaluated: 2022-06-29. Review status: criteria provided, single submitter. Criteria: Invitae Variant Classification Sherloc (09022015). Collection method: clinical testing. Allele origin: germline.
Comment: This sequence change replaces asparagine, which is neutral and polar, with serine, which is neutral and polar, at codon 1180 of the SCN4A protein (p.Asn1180Ser). This variant is not present in population databases (gnomAD no frequency). This variant has not been reported in the literature in individuals affected with SCN4A-related conditions. ClinVar contains an entry for this variant (Variation ID: 931913). Algorithms developed to predict the effect of missense changes on protein structure and function (SIFT, PolyPhen-2, Align-GVGD) all suggest that this variant is likely to be disruptive. In summary, the available evidence is currently insufficient to determine the role of this variant in disease. Therefore, it has been classified as a Variant of Uncertain Significance.

Centre for Mendelian Genomics, University Medical Centre Ljubljana
Classification: Uncertain significance for Hyperkalemic periodic paralysis. Last evaluated: 2020-03-31. Review status: criteria provided, single submitter. Criteria: ACMG Guidelines, 2015. Collection method: clinical testing. Allele origin: unknown. Affected: yes.
Comment: This variant was classified as: Uncertain significance. The available evidence favors the pathogenic nature of this variant, however the currently available data is insufficient to conclusively support its pathogenic nature. Thus this variant is classified as Uncertain significance - favor pathogenic. The following ACMG criteria were applied in classifying this variant: PM2,PP3. This variant was detected in homozygous state.

NM_000334.4(SCN4A):c.3539A>G (p.Asn1180Ser)

Genes: GH-LCR (growth hormone locus control region; plus strand), SCN4A (sodium voltage-gated channel alpha subunit 4; minus strand). Cytogenetic location: 17q23.3.
Variant type: single nucleotide variant.
Coding change: c.3539A>G on transcript NM_000334.4 (MANE Select); coding-DNA position 3539, A replaced by G.
Protein change: p.Asn1180Ser; replaces asparagine 1180 with serine.
Molecular consequence: missense variant.
Genome position (GRCh38, 1-based): chr17:63,945,541, T>C on the plus strand (A>G on the coding strand, the complement: SCN4A is on the minus strand). VCF-style: chr17-63945541-T-C. GRCh37 (hg19) VCF-style: chr17-62022901-T-C.
Other names: short protein forms N1180S.
Identifiers: ClinVar variation 931913 (VCV000931913.39), dbSNP rs1908688683, ClinGen allele CA400618184.
Genomic context (GRCh38, chr17:63,945,541, plus strand): 5'-ATGTCGAACCTCTCAGAGGTGGTGGTGTTGATGCAGTAGTAGAACTTGCCGGCAAACAGG[T>C]TGACACCCATGATGCTGAAGATCAGCCAGAAGATGAGGCAGACAAGCAGCACATTCATGA-3'
Protein context (NP_000325.4, residues 1170-1190): FWLIFSIMGV[Asn1180Ser]LFAGKFYYCI